The following is an entry in ClinVar:

ClinVar aggregate classification (germline): Benign. Review status: criteria provided, multiple submitters, no conflicts (2 of 4 stars). 3 submissions from 2 submitters: Benign (3). Last evaluated 2021-07-14.

Conditions:
Baraitser-Winter syndrome 1 (BRWS1). Also called: Cerebrofrontofacial syndrome; PACHYGYRIA, MENTAL RETARDATION, EPILEPSY, AND CHARACTERISTIC FACIES; MENTAL RETARDATION WITH EPILEPSY AND CHARACTERISTIC FACIES; BARAITSER-WINTER SYNDROME 1, ATYPICAL. Identifiers: Orphanet 2649, Orphanet 2995, MedGen C1855722, MONDO:0009470, OMIM 243310.
Developmental malformations-deafness-dystonia syndrome (DDS1). Identifiers: Orphanet 79107, MedGen C5848323, MONDO:0011823, OMIM 607371.

Allele frequency attached by ClinVar (database versions not stated): 1000 Genomes Project 0.28754; 1000 Genomes Project 30x 0.28904; ESP Exome Variant Server 0.30355; TOPMed 0.33209; gnomAD 0.33392 and 0.33780.
gnomAD v4.1: 531,529 of 1,610,146 alleles (33%); highest among the groups gnomAD compares: African/African-American, 35%; 88,943 homozygotes.

Submissions (3):

Genome-Nilou Lab
Classification: Benign for Developmental malformations-deafness-dystonia syndrome. Last evaluated: 2021-07-14. Review status: criteria provided, single submitter. Criteria: ACMG Guidelines, 2015. Collection method: clinical testing. Allele origin: germline. Affected: no.

Genome-Nilou Lab
Classification: Benign for Baraitser-Winter syndrome 1. Last evaluated: 2021-07-14. Review status: criteria provided, single submitter. Criteria: ACMG Guidelines, 2015. Collection method: clinical testing. Allele origin: germline. Affected: no.

GeneDx
Classification: Benign. Last evaluated: 2018-06-14. Review status: criteria provided, single submitter. Criteria: GeneDx Variant Classification (06012015). Collection method: clinical testing. Allele origin: germline. Affected: yes.
Comment: This variant is considered likely benign or benign based on one or more of the following criteria: it is a conservative change, it occurs at a poorly conserved position in the protein, it is predicted to be benign by multiple in silico algorithms, and/or has population frequency not consistent with disease.

NM_001101.5(ACTB):c.-6-33C>T

Gene: ACTB (actin beta; minus strand). Cytogenetic location: 7p22.1.
Variant type: single nucleotide variant.
Coding change: c.-6-33C>T on transcript NM_001101.5 (MANE Select); 33 bases into the intron before 6 bases upstream of the start codon, C replaced by T.
Molecular consequence: intron variant.
Genome position (GRCh38, 1-based): chr7:5,529,696, G>A on the plus strand (C>T on the coding strand, the complement: ACTB is on the minus strand). VCF-style: chr7-5529696-G-A. GRCh37 (hg19) VCF-style: chr7-5569327-G-A.
Other names: c.-6-33C>T (LRG_132t1).
Identifiers: ClinVar variation 561390 (VCV000561390.4), dbSNP rs2908425, ClinGen allele CA4147238.